The following is an entry in ClinVar:

ClinVar aggregate classification (germline): Pathogenic. Review status: criteria provided, multiple submitters, no conflicts (2 of 4 stars). 7 submissions from 7 submitters: Pathogenic (5). 2 of the submissions do not count toward it. Last evaluated 2026-01-13.

Conditions:
KCNQ1-related disorder. Also called: KCNQ1-related disorders; KCNQ1-related condition. Identifiers: MedGen CN239322.
Cardiovascular phenotype. Identifiers: MedGen CN230736.
Long QT syndrome (LQTS). Identifiers: MedGen C0023976, MeSH D008133, MONDO:0002442. Disease mechanism: loss of function. Inheritance: Various modes of inheritance.
Long QT syndrome 1 (LQT1). Identifiers: Orphanet 101016, Orphanet 768, MedGen C4551647, MONDO:0100316, OMIM 192500, MONDO:0008646.
Jervell and Lange-Nielsen syndrome 1 (JLNS1). Also called: CARDIOAUDITORY SYNDROME OF JERVELL AND LANGE-NIELSEN; DEAFNESS, CONGENITAL, AND FUNCTIONAL HEART DISEASE; PROLONGED QT INTERVAL IN EKG AND SUDDEN DEATH; SURDO-CARDIAC SYNDROME. Identifiers: Orphanet 768, Orphanet 90647, MedGen C4551509, MONDO:0024540, OMIM 220400.

Submissions (7):

Labcorp Genetics (formerly Invitae), Labcorp
Classification: Pathogenic for Long QT syndrome. Last evaluated: 2026-01-13. Review status: criteria provided, single submitter. Criteria: Invitae Variant Classification Sherloc (09022015). Collection method: clinical testing. Allele origin: germline.
Comment: This sequence change creates a premature translational stop signal (p.Arg190Alafs*95) in the KCNQ1 gene. It is expected to result in an absent or disrupted protein product. Loss-of-function variants in KCNQ1 are known to be pathogenic (PMID: 9323054, 19862833). This variant is not present in population databases (gnomAD no frequency). This premature translational stop signal has been observed in individual(s) with Jervell and Lange-Nielsen Syndrome (PMID: 9164812, 21118729). In at least one individual the data is consistent with being in trans (on the opposite chromosome) from a pathogenic variant. It has also been observed to segregate with disease in related individuals. ClinVar contains an entry for this variant (Variation ID: 53069). Algorithms developed to predict the effect of sequence changes on RNA splicing suggest that this variant may disrupt the consensus splice site. For these reasons, this variant has been classified as Pathogenic.

Molecular Genetics Laboratory - Cardiogenetics, CHU de Nantes
Classification: Pathogenic for Long QT syndrome 1. Last evaluated: 2023-08-01. Review status: criteria provided, single submitter. Criteria: ACMG Guidelines, 2015. Collection method: clinical testing. Allele origin: germline. Affected: yes.

GeneDx
Classification: Pathogenic. Last evaluated: 2023-01-19. Review status: criteria provided, single submitter. Criteria: GeneDx Variant Classification Process June 2021. Collection method: clinical testing. Allele origin: germline. Affected: yes.
Comment: Frameshift variant predicted to result in protein truncation or nonsense mediated decay in a gene for which loss-of-function is a known mechanism of disease; Not observed at significant frequency in large population cohorts (gnomAD); This variant is associated with the following publications: (PMID: 9164812, 21118729, 19862833, 28595573, 27535533)

Blueprint Genetics
Classification: Pathogenic for KCNQ1-related disorders. Last evaluated: 2020-06-10. Review status: criteria provided, single submitter. Criteria: ACMG Guidelines, 2015. Collection method: clinical testing. Allele origin: germline. Affected: yes. Observed: 1 variant allele.

Ambry Genetics
Classification: Pathogenic for Cardiovascular phenotype. Last evaluated: 2016-05-27. Review status: criteria provided, single submitter. Criteria: Ambry Variant Classification Scheme 2023. Collection method: clinical testing. Allele origin: germline.
Comment: The c.567dupG pathogenic mutation, located in coding exon 3 of the KCNQ1 gene, results from a duplication of G at nucleotide position 567, causing a translational frameshift with a predicted alternate stop codon (p.R190Afs*95). This alteration has previously been detected in multiple individuals with long QT syndrome and segregated with disease in one family, and was also identified in individuals with Jervell and Lange-Nielsen syndrome in the homozygous or compound heterozygous state with another KCNQ1 truncating mutation (Rice KS et al., Heart Rhythm 2011 Apr; 8(4):551-4; Splawski I et al., N. Engl. J. Med. 1997 May; 336(22):1562-7). In addition to the clinical data presented in the literature, since frameshifts are typically deleterious in nature, this alteration is interpreted as a disease-causing mutation (ACMG Recommendations for Standards for Interpretation and Reporting of Sequence Variations. Revision 2007. Genet Med. 2008;10:294).

PreventionGenetics, part of Exact Sciences
Classification: Pathogenic for KCNQ1-related condition. Last evaluated: 2024-08-07. Review status: no assertion criteria provided. Collection method: clinical testing. Allele origin: germline. Not counted in ClinVar's aggregate classification.
Comment: The KCNQ1 c.567dupG variant is predicted to result in a frameshift and premature protein termination (p.Arg190Alafs*95). This variant has been reported in the homozygous or compound heterozygous state in individuals with autosomal recessive Jervell and Lange-Nielsen syndrome and in the heterozygous state in individuals with autosomal dominant long QT syndrome (described as 282_283insG, Splawski et al. 1997. PubMed ID: 9164812; Rice et al. 2011. PubMed ID: 21118729). This variant has not been reported in a large population database, indicating this variant is rare. Frameshift variants in KCNQ1 are expected to be pathogenic. This variant is interpreted as pathogenic for both autosomal dominant and autosomal recessive KCNQ1-related disorders.

OMIM
Classification: Pathogenic for JERVELL AND LANGE-NIELSEN SYNDROME 1. Last evaluated: 1997-05-29. Review status: no assertion criteria provided. Collection method: literature only. Allele origin: germline. Not counted in ClinVar's aggregate classification.

Literature cited by the submitters: PubMed 9323054 (cited by Labcorp Genetics (formerly Invitae), Labcorp); PubMed 19862833 (cited by Labcorp Genetics (formerly Invitae), Labcorp); PubMed 9164812 (cited by 3 submitters); PubMed 21118729 (cited by Labcorp Genetics (formerly Invitae), Labcorp and Ambry Genetics).

NM_000218.3(KCNQ1):c.567dup (p.Arg190fs)

Gene: KCNQ1 (potassium voltage-gated channel subfamily Q member 1; plus strand). Cytogenetic location: 11p15.5.
Variant type: Duplication.
Coding change: c.567dup on transcript NM_000218.3 (MANE Select); coding-DNA position 567, one base duplicated (G; older notation c.567dupG).
Protein change: p.Arg190fs; shifts the reading frame from arginine 190.
Molecular consequence: frameshift variant.
Genome position (GRCh38, 1-based): chr11:2,570,717, G duplicated; the last of 5 consecutive G bases (chr11:2,570,713-2,570,717); duplicating any one gives the same sequence. VCF-style (leftmost placement, unchanged base first): chr11-2570712-T-TG. GRCh37 (hg19) VCF-style: chr11-2591942-T-TG.
Other names: c.567dupG (NM_000218.2); c.567dup, p.Arg190Alafs (NM_001406836.1); c.297dup, p.Arg100Alafs (NM_001406837.1); c.186dup, p.Arg63Alafs (NM_181798.2); short protein forms R190fs, R63fs.
Identifiers: ClinVar variation 53069 (VCV000053069.20), dbSNP rs397508117, ClinGen allele CA007508.